The following is an entry in ClinVar:

NM_000152.5(GAA):c.379_380del (p.Cys127fs)

Gene: GAA (alpha glucosidase; plus strand). Cytogenetic location: 17q25.3.
Variant type: Deletion.
Coding change: c.379_380del on transcript NM_000152.5 (MANE Select); coding-DNA positions 379 to 380, 2 bases deleted (TG; older notation c.379_380delTG).
Protein change: p.Cys127fs; shifts the reading frame from cysteine 127.
Molecular consequence: frameshift variant.
Genome position (GRCh38, 1-based): chr17:80,104,965-80,104,966, TG deleted; deleting any 2 consecutive bases within chr17:80,104,964-80,104,966 gives the same sequence; the c. name uses the placement nearest the transcript's 3' end. VCF-style (leftmost placement, unchanged base first): chr17-80104963-GGT-G. GRCh37 (hg19) VCF-style: chr17-78078762-GGT-G.
Other names: NM_000152.5(GAA):c.379_380del; p.Cys127fs; c.379_380delTG (NM_000152.3, NM_000152.4); c.379_380del (LRG_673t1); c.379_380del, p.Cys127fs (NM_001079803.3, NM_001079804.3); short protein forms C127fs.
Identifiers: ClinVar variation 552747 (VCV000552747.21), dbSNP rs1207988953, ClinGen allele CA658795227.

ClinVar aggregate classification (germline): Pathogenic. Review status: reviewed by expert panel (3 of 4 stars). 10 submissions from 10 submitters: Pathogenic (1). 9 of the submissions do not count toward it. Last evaluated 2021-08-19.

Conditions:
Glycogen storage disease, type II (IOPD). Also called: Glucosidase acid-1,4-alpha deficiency; CARDIOMEGALIA GLYCOGENICA DIFFUSA; GLYCOGENOSIS, GENERALIZED, CARDIAC FORM; GSD II; Glycogen storage disease type 2; Acid maltase deficiency disease. Identifiers: Orphanet 365, MedGen C0017921, MONDO:0009290, OMIM 232300.

Submissions (10):

ClinGen Lysosomal Storage Disorder Variant Curation Expert Panel
Classification: Pathogenic for Glycogen storage disease, type II. Last evaluated: 2021-08-19. Review status: reviewed by expert panel. Criteria: clingen_lsd_acmg_specifications_v2-1. Collection method: curation. Allele origin: germline. Inheritance: Autosomal recessive inheritance.
Comment: NM_000152.5:c.379_380del (p.Cys127LeufsTer18) variant in GAA is a frameshift variant predicted to cause a premature stop codon in biologically-relevant-exon 2/20, leading to nonsense mediated decay in a gene in which loss-of-function is an established disease mechanism (PVS1). At least 4 patients with Pompe disease and this variant have been reported that meet the ClinGen LSD VCEP’s specifications for PP4_Moderate. Of these patients, the available data includes documentation of laboratory values showing GAA deficiency (PMIDs 18757064, 24245577, 24715333, 30049495, 33162552). Furthermore, one of these patients had documented features consistent with infantile onset Pompe disease (PMID 24715333, 33162552) and another was on enzyme replacement therapy (PMID 30049495)(PP4_Moderate). These patients are all compound heterozygous for the variant and another pathogenic variant in GAA, phase unknown, including c.525delT (PMID 24715333, 33162552), “del exon 18” (PMID 9660056), and c.-32-13T>G (PMID 17573812, 17643989, 18757064, 24245577, 33458579; at least two patients). Total 2 points (PM3_Strong). Another patients is compound heterozygous for the variant and c.2104C>T (p.Arg702Cys); phase unconfirmed (PMID 30049495). The in trans data from this patient will be used in the assessment of p.Arg702Cys and was not included here in order to avoid circular logic. The variant is absent in gnomAD v2.1.1 (PM2_Supporting). There is a ClinVar entry for this variant (Variation ID: 552747, two star review status) with two submitters classifying the variant as pathogenic. In summary, this variant meets the criteria to be classified as pathogenic for Pompe disease. GAA-specific ACMG/AMP criteria met, as specified by the ClinGen LSD VCEP Specification Version 2.0): PVS1, PM3_Strong, PP4_Moderate, PM2_Supporting.

Genomenon, Inc
Classification: Pathogenic for Glycogen storage disease, type II. Last evaluated: 2026-07-01. Review status: criteria provided, single submitter. Criteria: Genomenon Sequence Variant Interpretation Standards - Updated. Collection method: curation. Allele origin: germline. Affected: yes. Not counted in ClinVar's aggregate classification.
Comment: GAA p.Cys127LeufsTer18 (c.379_380del) is a frameshift variant that is predicted to introduce a premature termination codon and result in a truncated or absent protein product. This variant has been observed in at least one proband with a GAA-related disorder (PMID:37087815;37002894;34927739;30049495;17573812;24715333;24245577). It is absent or not present at a significant frequency in gnomAD. In conclusion, we classify GAA p.Cys127LeufsTer18 (c.379_380del) as a pathogenic variant.

GeneDx
Classification: Pathogenic. Last evaluated: 2026-03-11. Review status: criteria provided, single submitter. Criteria: GeneDx Variant Classification Process June 2021. Collection method: clinical testing. Allele origin: germline. Not counted in ClinVar's aggregate classification.
Comment: Frameshift variant predicted to result in protein truncation or nonsense mediated decay in a gene for which loss of function is a known mechanism of disease; Not observed at significant frequency in large population cohorts (gnomAD); This variant is associated with the following publications: (PMID: 9660056, 31254424, 24245577, 30922962, 30049495, 18425781, 17573812, 17643989, 33458579, 24715333, 18757064)

Natera, Inc.
Classification: Pathogenic for Glycogen storage disease type II. Last evaluated: 2025-02-10. Review status: criteria provided, single submitter. Criteria: Natera Variant Classification Schema (03/2026). Collection method: clinical testing. Allele origin: germline. Not counted in ClinVar's aggregate classification.
Comment: The c.379_380delTG variant in GAA is a frameshift variant predicted to shift the reading frame beginning at codon 127 and leads to a stop codon 18 codons downstream. This variant is expected to result in nonsense mediated decay, truncation, or a dysfunctional protein product. This variant is rare in the general population with a frequency below the threshold expected for the associated phenotype(s). This variant has been observed in one or more individuals affected with the associated recessive disease, as either homozygous or compound heterozygous with a second variant (PMID: 30049495, 24715333). Given the available evidence, this variant is classified as Pathogenic.

Baylor Genetics
Classification: Pathogenic for Glycogen storage disease, type II. Last evaluated: 2024-03-14. Review status: criteria provided, single submitter. Criteria: ACMG Guidelines, 2015. Collection method: clinical testing. Allele origin: unknown. Not counted in ClinVar's aggregate classification.

Labcorp Genetics (formerly Invitae), Labcorp
Classification: Pathogenic for Glycogen storage disease, type II. Last evaluated: 2023-07-19. Review status: criteria provided, single submitter. Criteria: Invitae Variant Classification Sherloc (09022015). Collection method: clinical testing. Allele origin: germline. Not counted in ClinVar's aggregate classification.
Comment: This premature translational stop signal has been observed in individual(s) with Pompe disease (PMID: 9660056). This variant is not present in population databases (gnomAD no frequency). This sequence change creates a premature translational stop signal (p.Cys127Leufs*18) in the GAA gene. It is expected to result in an absent or disrupted protein product. Loss-of-function variants in GAA are known to be pathogenic (PMID: 18425781, 22252923). ClinVar contains an entry for this variant (Variation ID: 552747). For these reasons, this variant has been classified as Pathogenic.

Laboratorio de Genetica e Diagnostico Molecular, Hospital Israelita Albert Einstein
Classification: Pathogenic for Glycogen storage disease, type II. Last evaluated: 2022-09-19. Review status: criteria provided, single submitter. Criteria: ACMG Guidelines, 2015. Collection method: clinical testing. Allele origin: germline. Affected: yes. Observed: 1 variant allele. Not counted in ClinVar's aggregate classification.
Comment: ACMG classification criteria: PVS1 very strong, PS4 strong, PM2 moderated, PM3 strong

Revvity Omics, Revvity
Classification: Pathogenic. Last evaluated: 2020-11-10. Review status: criteria provided, single submitter. Criteria: ACMG Guidelines, 2015. Collection method: clinical testing. Allele origin: germline. Not counted in ClinVar's aggregate classification.

Eurofins Ntd Llc (ga)
Classification: Pathogenic. Last evaluated: 2018-01-12. Review status: criteria provided, single submitter. Criteria: EGL Classification Definitions 2015. Collection method: clinical testing. Allele origin: germline. Observed: 2 variant alleles, 2 heterozygotes. Not counted in ClinVar's aggregate classification.

Counsyl
Classification: Pathogenic for Glycogen storage disease, type II. Last evaluated: 2017-07-06. Review status: no assertion criteria provided. Collection method: clinical testing. Allele origin: unknown. Not counted in ClinVar's aggregate classification.

Literature cited by the submitters: PubMed 37087815 (cited by Genomenon, Inc); PubMed 37002894 (cited by Genomenon, Inc); PubMed 34927739 (cited by Genomenon, Inc); PubMed 30049495 (cited by Genomenon, Inc and Natera, Inc.); PubMed 17573812 (cited by Genomenon, Inc); PubMed 24715333 (cited by Genomenon, Inc and Natera, Inc.); PubMed 24245577 (cited by Genomenon, Inc); PubMed 9660056 (cited by Labcorp Genetics (formerly Invitae), Labcorp); PubMed 18425781 (cited by Labcorp Genetics (formerly Invitae), Labcorp); PubMed 22252923 (cited by Labcorp Genetics (formerly Invitae), Labcorp); PubMed 18757064 (cited by Counsyl).